The following is an entry in ClinVar:

NM_004168.4(SDHA):c.313-6T>C

Gene: SDHA (succinate dehydrogenase complex flavoprotein subunit A; plus strand). Cytogenetic location: 5p15.33.
Variant type: single nucleotide variant.
Coding change: c.313-6T>C on transcript NM_004168.4 (MANE Select); 6 bases into the intron before coding-DNA position 313, T replaced by C.
Molecular consequence: intron variant.
Genome position (GRCh38, 1-based): chr5:225,413, T>C. VCF-style: chr5-225413-T-C. GRCh37 (hg19) VCF-style: chr5-225528-T-C.
Other names: c.313-6T>C (NM_001330758.2); c.313-470T>C (NM_001294332.2).
Identifiers: ClinVar variation 757861 (VCV000757861.9), dbSNP rs1579383890, ClinGen allele CA915943301.
Genomic context (GRCh38, chr5:225,413, plus strand): 5'-TTTGGGCCTGGAAGACAAAGTTGGCGCTCCTGTTTGTGGCTTGTAAGGAGTGGTTGGTGT[T>C]TCCAGGGAGGAATCAATGCTGCTCTGGGGAACATGGAGGAGGACAACTGGAGGTGGCATT-3'

ClinVar aggregate classification (germline): Likely benign. Review status: criteria provided, multiple submitters, no conflicts (2 of 4 stars). 2 submissions from 2 submitters: Likely benign (2). Last evaluated 2025-02-28.

Conditions:
Pheochromocytoma/paraganglioma syndrome 5. Also called: Paragangliomas 5; SDHA-Related Hereditary Paraganglioma-Pheochromocytoma Syndrome. Identifiers: Orphanet 29072, MedGen C3279992, MONDO:0013602, OMIM 614165.
Mitochondrial complex II deficiency, nuclear type 1. Also called: SUCCINATE CoQ REDUCTASE DEFICIENCY. Identifiers: Orphanet 3208, MedGen C5700310, MONDO:0100294, OMIM 252011.

Submissions (2):

Myriad Genetics, Inc.
Classification: Likely benign for Pheochromocytoma/paraganglioma syndrome 5. Last evaluated: 2025-02-28. Review status: criteria provided, single submitter. Criteria: Myriad Autosomal Dominant, Autosomal Recessive and X-Linked Classification Criteria (2023). Collection method: clinical testing. Allele origin: unknown.
Comment: This variant is considered likely benign. This variant is intronic and is not expected to impact mRNA splicing.

Labcorp Genetics (formerly Invitae), Labcorp
Classification: Likely benign for Pheochromocytoma/paraganglioma syndrome 5; Mitochondrial complex II deficiency, nuclear type 1. Last evaluated: 2020-02-19. Review status: criteria provided, single submitter. Criteria: Invitae Variant Classification Sherloc (09022015). Collection method: clinical testing. Allele origin: germline.